The following is an entry in ClinVar:

ClinVar aggregate classification (germline): Conflicting classifications of pathogenicity. Review status: criteria provided, conflicting classifications (1 of 4 stars). 8 submissions from 8 submitters: Uncertain significance (6); Benign (1). 1 of the submissions does not count toward it. Last evaluated 2026-02-13.

Conditions:
Melanoma, cutaneous malignant, susceptibility to, 2 (CMM2). Also called: CDKN2A-Related Cutaneous Malignant Melanoma; Cutaneous malignant melanoma 2. Identifiers: Orphanet 618, MedGen C1835044, MONDO:0007964, OMIM 155601.
Melanoma-pancreatic cancer syndrome. Identifiers: Orphanet 404560, MedGen C1838547, MONDO:0011713, OMIM 606719. Disease mechanism: loss of function.
Melanoma and neural system tumor syndrome. Also called: MELANOMA-ASTROCYTOMA SYNDROME. Identifiers: Orphanet 252206, MedGen C1835042, MONDO:0007967, OMIM 155755.
Familial melanoma. Also called: Hereditary cutaneous melanoma; Hereditary melanoma. Identifiers: Orphanet 618, MedGen C1512419, MONDO:0018961.
Hereditary cancer-predisposing syndrome. Also called: Neoplastic Syndromes, Hereditary; Hereditary Cancer Syndrome; Tumor predisposition; Hereditary neoplastic syndrome. Identifiers: Orphanet 140162, MedGen C0027672, MeSH D009386, MONDO:0015356.
Ovarian cancer. Also called: OVARIAN CANCER, SOMATIC. Identifiers: Orphanet 213500, MedGen C1140680, MONDO:0008170, OMIM 167000.

Allele frequency attached by ClinVar (database versions not stated): gnomAD 0.00002; gnomAD exomes 0.00003; TOPMed 0.00003; ExAC 0.00004; ESP Exome Variant Server 0.00008.
gnomAD v4.1: 6 of 1,612,890 alleles (0.00037%); highest among the groups gnomAD compares: East Asian, 0.013%; no homozygotes.

Submissions (8):

Women's Health and Genetics/Laboratory Corporation of America, LabCorp
Classification: Uncertain significance. Last evaluated: 2026-02-13. Review status: criteria provided, single submitter. Criteria: LabCorp Variant Classification Summary - May 2015. Collection method: clinical testing. Allele origin: germline.
Comment: Variant summary: CDKN2A c.122C>A (p.Pro41Gln) results in a non-conservative amino acid change in the encoded protein sequence. Algorithms developed to predict the effect of missense changes on protein structure and function are either unavailable or do not agree on the potential impact of this missense change. The variant allele was found at a frequency of 3.3e-05 in 244752 control chromosomes, predominantly at a frequency of 0.00044 within the East Asian subpopulation in the gnomAD database. The available data on variant occurrences in the general population are insufficient to allow any conclusion about variant significance. c.122C>A has been reported in the literature in individuals affected with pancreatic ductal adenocarcinoma, also in control subjects (Xu_2015, Yin_2022, Okawa_2023). These reports do not provide unequivocal conclusions about association of the variant with Cutaneous Malignant Melanoma. At least one publication reports experimental evidence evaluating an impact on protein function. These results showed no damaging effect of this variant by an in vitro cell proliferation assay (Kimura_2022). The following publications have been ascertained in the context of this evaluation (PMID: 27756164, 27960642, 28765326, 9166859, 35001868, 16818274, 18519632, 36243179, 7718873, 26104880, 35171259). ClinVar contains an entry for this variant (Variation ID: 141111). Based on the evidence outlined above, the variant was classified as uncertain significance.

Labcorp Genetics (formerly Invitae), Labcorp
Classification: Uncertain significance for Familial melanoma. Last evaluated: 2025-12-09. Review status: criteria provided, single submitter. Criteria: Invitae Variant Classification Sherloc (09022015). Collection method: clinical testing. Allele origin: germline.
Comment: This sequence change replaces proline, which is neutral and non-polar, with glutamine, which is neutral and polar, at codon 41 of the CDKN2A (p16INK4a) protein (p.Pro41Gln). This variant is present in population databases (rs373407950, gnomAD 0.05%). This missense change has been observed in individual(s) with pancreatic ductal adenocarcinoma and acute lymphoblastic leukemia (PMID: 26104880, 35171259). ClinVar contains an entry for this variant (Variation ID: 141111). An algorithm developed to predict the effect of missense changes on protein structure and function (PolyPhen-2) suggests that this variant is likely to be disruptive. Experimental studies are conflicting or provide insufficient evidence to determine the effect of this variant on CDKN2A (p16INK4a) function (PMID: 35001868). In summary, the available evidence is currently insufficient to determine the role of this variant in disease. Therefore, it has been classified as a Variant of Uncertain Significance.

Color Diagnostics, LLC DBA Color Health
Classification: Uncertain significance for Hereditary cancer-predisposing syndrome. Last evaluated: 2023-10-02. Review status: criteria provided, single submitter. Criteria: ACMG Guidelines, 2015. Collection method: clinical testing. Allele origin: germline.
Comment: This missense variant replaces proline with glutamine at codon 41 of the CDKN2A (p16INK4A) protein. Computational prediction suggests that this variant may not impact protein structure and function (internally defined REVEL score threshold <= 0.5, PMID: 27666373). An experimental functional study has reported this variant was neutral in a cell proliferation assay (PMID: 35001868). This variant has not been reported in individuals affected with CDKN2A-related disorders in the literature. This variant has been identified in 9/276116 chromosomes in the general population by the Genome Aggregation Database (gnomAD). The available evidence is insufficient to determine the role of this variant in disease conclusively. Therefore, this variant is classified as a Variant of Uncertain Significance.

Baylor Genetics
Classification: Uncertain significance for Melanoma and neural system tumor syndrome. Last evaluated: 2023-08-06. Review status: criteria provided, single submitter. Criteria: ACMG Guidelines, 2015. Collection method: clinical testing. Allele origin: unknown.

Ambry Genetics
Classification: Benign for Hereditary cancer-predisposing syndrome. Last evaluated: 2023-01-27. Review status: criteria provided, single submitter. Criteria: Ambry Variant Classification Scheme 2023. Collection method: clinical testing. Allele origin: germline.

GeneDx
Classification: Uncertain significance. Last evaluated: 2023-01-23. Review status: criteria provided, single submitter. Criteria: GeneDx Variant Classification Process June 2021. Collection method: clinical testing. Allele origin: germline. Affected: yes.
Comment: In silico analysis, which includes protein predictors and evolutionary conservation, supports that this variant does not alter protein structure/function; Published functional studies demonstrate neutral cell proliferation effects (Kimura et al., 2022); This variant is associated with the following publications: (PMID: 26104880, 35001868)

Fulgent Genetics
Classification: Uncertain significance for Melanoma, cutaneous malignant, susceptibility to, 2; Melanoma and neural system tumor syndrome; Melanoma-pancreatic cancer syndrome. Last evaluated: 2018-10-31. Review status: criteria provided, single submitter. Criteria: ACMG Guidelines, 2015. Collection method: clinical testing. Allele origin: unknown.

Laboratory of Molecular Epidemiology of Birth Defects, West China Second University Hospital, Sichuan University
Classification: Likely pathogenic for Ovarian cancer. Last evaluated: 2022-01-01. Review status: flagged submission. Criteria: ACMG Guidelines, 2015. Collection method: clinical testing. Allele origin: germline. Affected: yes. Not counted in ClinVar's aggregate classification.
ClinVar note: Reason: Outlier claim with insufficient supporting evidence

Literature cited by the submitters: PubMed 26104880 (cited by 3 submitters); PubMed 27756164 (cited by Women's Health and Genetics/Laboratory Corporation of America, LabCorp); PubMed 27960642 (cited by Women's Health and Genetics/Laboratory Corporation of America, LabCorp); PubMed 28765326 (cited by Women's Health and Genetics/Laboratory Corporation of America, LabCorp); PubMed 9166859 (cited by Women's Health and Genetics/Laboratory Corporation of America, LabCorp); PubMed 16818274 (cited by Women's Health and Genetics/Laboratory Corporation of America, LabCorp); PubMed 18519632 (cited by Women's Health and Genetics/Laboratory Corporation of America, LabCorp); PubMed 7718873 (cited by Women's Health and Genetics/Laboratory Corporation of America, LabCorp); PubMed 35001868 (cited by 4 submitters); PubMed 35171259 (cited by Women's Health and Genetics/Laboratory Corporation of America, LabCorp and Labcorp Genetics (formerly Invitae), Labcorp); PubMed 36243179 (cited by Women's Health and Genetics/Laboratory Corporation of America, LabCorp); PubMed 30548481 (cited by Ambry Genetics).

NM_000077.5(CDKN2A):c.122C>A (p.Pro41Gln)

Gene: CDKN2A (cyclin dependent kinase inhibitor 2A; minus strand). Cytogenetic location: 9p21.3.
Variant type: single nucleotide variant.
Coding change: c.122C>A on transcript NM_000077.5; coding-DNA position 122, C replaced by A.
Protein change: p.Pro41Gln; replaces proline 41 with glutamine.
Molecular consequence: missense variant (on NM_000077.6). On other transcripts: intron variant (2).
Genome position (GRCh38, 1-based): chr9:21,974,706, G>T on the plus strand (C>A on the coding strand, the complement: CDKN2A is on the minus strand). VCF-style: chr9-21974706-G-T. GRCh37 (hg19) VCF-style: chr9-21974705-G-T.
Other names: c.122C>A, p.Pro41Gln (NM_000077.6, NM_001195132.2, NM_058197.5); c.-3-3498C>A (NM_001363763.2); c.194-3498C>A (NM_058195.4); short protein forms P41Q.
Identifiers: ClinVar variation 141111 (VCV000141111.30), dbSNP rs373407950, ClinGen allele CA164489.